The following is an entry in ClinVar:

ClinVar aggregate classification (germline): Uncertain significance (1 of 4 stars; one submission).

Allele frequency attached by ClinVar (database versions not stated): TOPMed below 0.00001; gnomAD 0.00001; gnomAD exomes below 0.00001.
gnomAD v4.1: 4 of 1,612,690 alleles (0.00025%); highest among the groups gnomAD compares: East Asian, 0.0022%; no homozygotes.

Submission:

Labcorp Genetics (formerly Invitae), Labcorp
Classification: Uncertain significance. Last evaluated: 2021-09-03. Review status: criteria provided, single submitter. Criteria: Invitae Variant Classification Sherloc (09022015). Collection method: clinical testing. Allele origin: germline.
Comment: This sequence change replaces lysine with glutamic acid at codon 184 of the PEX3 protein (p.Lys184Glu). The lysine residue is highly conserved and there is a small physicochemical difference between lysine and glutamic acid. This variant is not present in population databases (ExAC no frequency). This variant has not been reported in the literature in individuals affected with PEX3-related conditions. Algorithms developed to predict the effect of missense changes on protein structure and function are either unavailable or do not agree on the potential impact of this missense change (SIFT: "Tolerated"; PolyPhen-2: "Possibly Damaging"; Align-GVGD: "Class C0"). In summary, the available evidence is currently insufficient to determine the role of this variant in disease. Therefore, it has been classified as a Variant of Uncertain Significance.

NM_003630.3(PEX3):c.550A>G (p.Lys184Glu)

Gene: PEX3 (peroxisomal biogenesis factor 3; plus strand). Cytogenetic location: 6q24.2.
Variant type: single nucleotide variant.
Coding change: c.550A>G on transcript NM_003630.3 (MANE Select); coding-DNA position 550, A replaced by G.
Protein change: p.Lys184Glu; replaces lysine 184 with glutamic acid.
Molecular consequence: missense variant.
Genome position (GRCh38, 1-based): chr6:143,471,583, A>G. VCF-style: chr6-143471583-A-G. GRCh37 (hg19) VCF-style: chr6-143792720-A-G.
Other names: short protein forms K184E.
Identifiers: ClinVar variation 1379340 (VCV001379340.3), dbSNP rs1228222339, ClinGen allele CA365911040.